The following is an entry in ClinVar:

ClinVar aggregate classification (germline): Conflicting classifications of pathogenicity. Review status: criteria provided, conflicting classifications (1 of 4 stars). 5 submissions from 5 submitters: Likely pathogenic (3); Uncertain significance (1). 1 of the submissions does not count toward it. Last evaluated 2025-06-01.

Conditions:
Charcot-Marie-Tooth disease. Also called: Charcot-Marie-Tooth Hereditary Neuropathy; Charcot-Marie-Tooth Neuropathy. Identifiers: Orphanet 166, MedGen C0007959, MONDO:0015626.
Charcot-Marie-Tooth disease, type I (CMT1). Also called: Charcot-Marie-Tooth disease type 1; Charcot-Marie-Tooth, Type 1. Identifiers: Orphanet 65753, MedGen C0751036, MONDO:0019011.
Hereditary liability to pressure palsies (HNPP). Also called: POLYNEUROPATHY, FAMILIAL RECURRENT; TOMACULOUS NEUROPATHY; Hereditary Neuropathy with Liability to Pressure Palsies. Identifiers: Orphanet 640, MedGen C0393814, MONDO:0008087, OMIM 162500.
Charcot-Marie-Tooth disease, type IA (CMT1A). Also called: CHARCOT-MARIE-TOOTH DISEASE, DEMYELINATING, TYPE 1A; CHARCOT-MARIE-TOOTH DISEASE, AUTOSOMAL DOMINANT, WITH FOCALLY FOLDED MYELIN SHEATHS, TYPE 1A; CHARCOT-MARIE-TOOTH NEUROPATHY, TYPE 1A; Charcot-Marie-Tooth disease type 1A; CMT 1A; Hereditary motor and sensory neuropathy 1A. Identifiers: Orphanet 101081, MedGen C0270911, MONDO:0007309, OMIM 118220.

Submissions (5):

CeGaT Center for Human Genetics Tuebingen
Classification: Likely pathogenic. Last evaluated: 2025-06-01. Review status: criteria provided, single submitter. Criteria: CeGaT Center For Human Genetics Tuebingen Variant Classification Criteria Version 2. Collection method: clinical testing. Allele origin: germline. Affected: yes. Observed: 1 variant allele.
Comment: PMP22: PM2, PM5, PS4:Moderate, PS3:Supporting

Labcorp Genetics (formerly Invitae), Labcorp
Classification: Uncertain significance for Charcot-Marie-Tooth disease, type I. Last evaluated: 2023-12-21. Review status: criteria provided, single submitter. Criteria: Invitae Variant Classification Sherloc (09022015). Collection method: clinical testing. Allele origin: germline.
Comment: This sequence change replaces alanine, which is neutral and non-polar, with threonine, which is neutral and polar, at codon 67 of the PMP22 protein (p.Ala67Thr). This variant is not present in population databases (gnomAD no frequency). This missense change has been observed in individuals with clinical features of PMP22-related conditions (PMID: 12796555, 29108667). ClinVar contains an entry for this variant (Variation ID: 8443). An algorithm developed to predict the effect of missense changes on protein structure and function (PolyPhen-2) suggests that this variant is likely to be disruptive. Experimental studies have shown that this missense change does not substantially affect PMP22 function (PMID: 26102530, 33933451). This variant disrupts the p.Ala67 amino acid residue in PMP22. Other variant(s) that disrupt this residue have been determined to be pathogenic (PMID: 10330345, 11920834; Invitae). This suggests that this residue is clinically significant, and that variants that disrupt this residue are likely to be disease-causing. In summary, the available evidence is currently insufficient to determine the role of this variant in disease. Therefore, it has been classified as a Variant of Uncertain Significance.

MGZ Medical Genetics Center
Classification: Likely pathogenic for Charcot-Marie-Tooth disease, type IA. Last evaluated: 2021-09-27. Review status: criteria provided, single submitter. Criteria: ACMG Guidelines, 2015. Collection method: clinical testing. Allele origin: germline. Affected: yes. Observed: 1 variant allele.
Comment: ACMG criteria applied: PM1, PM5, PM2_SUP, PP2, PP3

Molecular Genetics Laboratory, London Health Sciences Centre
Classification: Likely pathogenic for Charcot-Marie-Tooth disease. Review status: criteria provided, single submitter. Criteria: ACMG Guidelines, 2015. Collection method: clinical testing. Allele origin: germline. Affected: yes.

OMIM
Classification: Pathogenic for NEUROPATHY, HEREDITARY, WITH LIABILITY TO PRESSURE PALSIES. Last evaluated: 2003-06-10. Review status: no assertion criteria provided. Collection method: literature only. Allele origin: germline. Not counted in ClinVar's aggregate classification.

Literature cited by the submitters: PubMed 12796555 (cited by Labcorp Genetics (formerly Invitae), Labcorp and OMIM); PubMed 29108667 (cited by Labcorp Genetics (formerly Invitae), Labcorp); PubMed 26102530 (cited by Labcorp Genetics (formerly Invitae), Labcorp); PubMed 33933451 (cited by Labcorp Genetics (formerly Invitae), Labcorp); PubMed 10330345 (cited by Labcorp Genetics (formerly Invitae), Labcorp); PubMed 11920834 (cited by Labcorp Genetics (formerly Invitae), Labcorp).

NM_000304.4(PMP22):c.199G>A (p.Ala67Thr)

Gene: PMP22 (peripheral myelin protein 22; minus strand). Cytogenetic location: 17p12.
Variant type: single nucleotide variant.
Coding change: c.199G>A on transcript NM_000304.4 (MANE Select); coding-DNA position 199, G replaced by A.
Protein change: p.Ala67Thr; replaces alanine 67 with threonine.
Molecular consequence: missense variant. On other transcripts: non-coding transcript variant (2).
Genome position (GRCh38, 1-based): chr17:15,239,591, C>T on the plus strand (G>A on the coding strand, the complement: PMP22 is on the minus strand). VCF-style: chr17-15239591-C-T. GRCh37 (hg19) VCF-style: chr17-15142908-C-T.
Other names: c.199G>A, p.Ala67Thr (NM_001281455.2, NM_001281456.2, NM_001330143.2 and 2 more transcripts); short protein forms A67T.
Identifiers: ClinVar variation 8443 (VCV000008443.15), dbSNP rs104894623, ClinGen allele CA254388.